The following is an entry in ClinVar:

ClinVar aggregate classification (germline): Uncertain significance (1 of 4 stars; one submission).

Conditions:
T-B+ severe combined immunodeficiency due to JAK3 deficiency. Also called: SCID, T CELL-NEGATIVE, B CELL-POSITIVE, NK CELL-NEGATIVE; SCID, autosomal recessive, T-negative/B-positive type. Identifiers: Orphanet 35078, MedGen C1833275, MONDO:0010938, OMIM 600802.

Submission:

Labcorp Genetics (formerly Invitae), Labcorp
Classification: Uncertain significance for T-B+ severe combined immunodeficiency due to JAK3 deficiency. Last evaluated: 2024-02-24. Review status: criteria provided, single submitter. Criteria: Invitae Variant Classification Sherloc (09022015). Collection method: clinical testing. Allele origin: germline.
Comment: This sequence change falls in intron 9 of the JAK3 gene. It does not directly change the encoded amino acid sequence of the JAK3 protein. It affects a nucleotide within the consensus splice site. This variant is not present in population databases (gnomAD no frequency). This variant has not been reported in the literature in individuals affected with JAK3-related conditions. ClinVar contains an entry for this variant (Variation ID: 1064270). Variants that disrupt the consensus splice site are a relatively common cause of aberrant splicing (PMID: 17576681, 9536098). Algorithms developed to predict the effect of sequence changes on RNA splicing suggest that this variant may disrupt the consensus splice site. In summary, the available evidence is currently insufficient to determine the role of this variant in disease. Therefore, it has been classified as a Variant of Uncertain Significance.

Literature cited by the submitters: PubMed 17576681; PubMed 9536098.

NM_000215.4(JAK3):c.1254+5G>C

Gene: JAK3 (Janus kinase 3; minus strand). Cytogenetic location: 19p13.11.
Variant type: single nucleotide variant.
Coding change: c.1254+5G>C on transcript NM_000215.4 (MANE Select); 5 bases into the intron after coding-DNA position 1254, G replaced by C.
Molecular consequence: intron variant.
Genome position (GRCh38, 1-based): chr19:17,840,225, C>G on the plus strand (G>C on the coding strand, the complement: JAK3 is on the minus strand). VCF-style: chr19-17840225-C-G. GRCh37 (hg19) VCF-style: chr19-17951034-C-G.
Identifiers: ClinVar variation 1064270 (VCV001064270.7), dbSNP rs2147692649, ClinGen allele CA2499225421.